The following is an entry in ClinVar:

NM_006904.7(PRKDC):c.5194G>C (p.Gly1732Arg)

Gene: PRKDC (protein kinase, DNA-activated, catalytic subunit; minus strand). Cytogenetic location: 8q11.21.
Variant type: single nucleotide variant.
Coding change: c.5194G>C on transcript NM_006904.7 (MANE Select); coding-DNA position 5194, G replaced by C.
Protein change: p.Gly1732Arg; replaces glycine 1732 with arginine.
Molecular consequence: missense variant.
Genome position (GRCh38, 1-based): chr8:47,879,532, C>G on the plus strand (G>C on the coding strand, the complement: PRKDC is on the minus strand). VCF-style: chr8-47879532-C-G. GRCh37 (hg19) VCF-style: chr8-48792093-C-G.
Other names: c.5194G>C, p.Gly1732Arg (NM_001081640.2); short protein forms G1732R.
Identifiers: ClinVar variation 1745935 (VCV001745935.2), dbSNP rs2551872239, ClinGen allele CA371138370.

ClinVar aggregate classification (germline): Uncertain significance (1 of 4 stars; one submission).

Allele frequency attached by ClinVar (database versions not stated): gnomAD exomes below 0.00001.
gnomAD v4.1: 2 of 1,598,748 alleles (0.00013%); highest among the groups gnomAD compares: Non-Finnish European, 0.00017%; no homozygotes.

Submission:

Ambry Genetics
Classification: Uncertain significance. Last evaluated: 2022-06-20. Review status: criteria provided, single submitter. Criteria: Ambry Variant Classification Scheme 2023. Collection method: clinical testing. Allele origin: germline.
Comment: The p.G1732R variant (also known as c.5194G>C), located in coding exon 39 of the PRKDC gene, results from a G to C substitution at nucleotide position 5194. The glycine at codon 1732 is replaced by arginine, an amino acid with dissimilar properties. This amino acid position is conserved. In addition, this alteration is predicted to be tolerated by in silico analysis. Since supporting evidence is limited at this time, the clinical significance of this alteration remains unclear.